The following is an entry in ClinVar:

NM_005460.4(SNCAIP):c.258A>G (p.Pro86=)

Gene: SNCAIP (synuclein alpha interacting protein; plus strand). Cytogenetic location: 5q23.2.
Variant type: single nucleotide variant.
Coding change: c.258A>G on transcript NM_005460.4 (MANE Select); coding-DNA position 258, A replaced by G.
Protein change: p.Pro86=; no amino-acid change (proline 86 retained).
Molecular consequence: synonymous variant. On other transcripts: non-coding transcript variant (1), intron variant (5).
Genome position (GRCh38, 1-based): chr5:122,422,995, A>G. VCF-style: chr5-122422995-A-G. GRCh37 (hg19) VCF-style: chr5-121758690-A-G.
Other names: c.399A>G, p.Pro133= (NM_001308100.2); c.258A>G, p.Pro86= (NM_001308105.1); c.85-8974A>G (NM_001242935.3, NM_001308107.2); c.85-17634A>G (NM_001308109.2); c.79-8974A>G (NM_001308106.1); c.85-2357A>G (NM_001308108.1).
Identifiers: ClinVar variation 904471 (VCV000904471.4), dbSNP rs148912393, ClinGen allele CA3384613.

ClinVar aggregate classification (germline): Likely benign (1 of 4 stars; one submission).

Conditions:
Parkinson Disease, Dominant/Recessive.

Allele frequency attached by ClinVar (database versions not stated): gnomAD exomes 0.00014 and 0.00031; gnomAD 0.00017; TOPMed 0.00020; ExAC 0.00024; ESP Exome Variant Server 0.00031.
gnomAD v4.1: 253 of 1,614,084 alleles (0.016%); highest among the groups gnomAD compares: Non-Finnish European, 0.0034%; no homozygotes.

Submission:

Illumina Laboratory Services, Illumina
Classification: Likely benign for Parkinson Disease, Dominant/Recessive. Last evaluated: 2018-01-12. Review status: criteria provided, single submitter. Criteria: ICSL Variant Classification Criteria 13 December 2019. Collection method: clinical testing. Allele origin: germline.
Comment: This variant was observed in the ICSL laboratory as part of a predisposition screen in an ostensibly healthy population. It had not been previously curated by ICSL or reported in the Human Gene Mutation Database (HGMD: prior to June 1st, 2018), and was therefore a candidate for classification through an automated scoring system. Utilizing variant allele frequency, disease prevalence and penetrance estimates, and inheritance mode, an automated score was calculated to assess if this variant is too frequent to cause the disease. Based on the score and internal cut-off values, a variant classified as likely benign is not then subjected to further curation. The score for this variant resulted in a classification of likely benign for this disease.